The following is an entry in ClinVar:

NM_007294.4(BRCA1):c.3667C>G (p.Leu1223Val)

Genes: BRCA1 (BRCA1 DNA repair associated; minus strand), LOC126862571 (BRD4-independent group 4 enhancer GRCh37_chr17:41243136-41244335; plus strand). Cytogenetic location: 17q21.31.
Variant type: single nucleotide variant.
Coding change: c.3667C>G on transcript NM_007294.4 (MANE Select); coding-DNA position 3667, C replaced by G.
Protein change: p.Leu1223Val; replaces leucine 1223 with valine.
Molecular consequence: missense variant. On other transcripts: intron variant (135).
Genome position (GRCh38, 1-based): chr17:43,091,864, G>C on the plus strand (C>G on the coding strand, the complement: BRCA1 is on the minus strand). VCF-style: chr17-43091864-G-C. GRCh37 (hg19) VCF-style: chr17-41243881-G-C.
Other names: c.3526C>G, p.Leu1176Val (NM_001407727.1, NM_001407728.1, NM_001407729.1 and 29 more transcripts); c.3544C>G, p.Leu1182Val (NM_001407937.1, NM_001407938.1, NM_001407939.1 and 19 more transcripts); c.3541C>G, p.Leu1181Val (NM_001407940.1, NM_001407941.1, NM_001407649.1 and 11 more transcripts); c.3523C>G, p.Leu1175Val (NM_001407745.1, NM_001407746.1, NM_001407747.1 and 20 more transcripts); c.3454C>G, p.Leu1152Val (NM_001407571.1, NM_001407853.1, NM_001407894.1 and 9 more transcripts); c.3667C>G, p.Leu1223Val (NM_001407581.1, NM_001407582.1, NM_001407583.1 and 30 more transcripts); c.3664C>G, p.Leu1222Val (NM_001407587.1, NM_001407590.1, NM_001407591.1 and 22 more transcripts); c.3658C>G, p.Leu1220Val (NM_001407646.1, NM_001407647.1); and 41 more; short protein forms L1176V, L1223V, L1055V, L1095V, L1112V, L1156V, L1181V, L1222V.
Identifiers: ClinVar variation 952987 (VCV000952987.13), dbSNP rs1555587309, ClinGen allele CA10594635.
Genomic context (GRCh38, chr17:43,091,864, plus strand): 5'-TAGTAGACTGAGAAGGTATATTGTTTACTTTACCAAATAACAAGTGTTGGAAGCAGGGAA[G>C]CTCTTCATCCTCACTAGATAAGTTCTCTTCTGAGGACTCTAATTTCTTGGCCCCTCTTCG-3'
Protein context (NP_009225.1, residues 1213-1233): EENLSSEDEE[Leu1223Val]PCFQHLLFGK

ClinVar aggregate classification (germline): Conflicting classifications of pathogenicity. Review status: criteria provided, conflicting classifications (1 of 4 stars). 3 submissions from 3 submitters: Uncertain significance (2); Likely benign (1). Last evaluated 2023-03-23.

Conditions:
Hereditary cancer-predisposing syndrome. Also called: Tumor predisposition; Hereditary neoplastic syndrome; Neoplastic Syndromes, Hereditary; Hereditary Cancer Syndrome. Identifiers: Orphanet 140162, MedGen C0027672, MeSH D009386, MONDO:0015356.
Hereditary breast ovarian cancer syndrome. Also called: Hereditary breast and ovarian cancer; Hereditary breast and/or ovarian cancer syndrome; Hereditary breast and ovarian cancer syndrome; Hereditary breast and ovarian cancer syndrome (HBOC); BRCA1- and BRCA2-Associated Hereditary Breast and Ovarian Cancer; Breast and ovarian cancer. Identifiers: Orphanet 145, MedGen C0677776, MeSH D061325, MONDO:0003582. Disease mechanism: loss of function.

Allele frequency attached by ClinVar (database versions not stated): gnomAD exomes below 0.00001.
gnomAD v4.1: 2 of 1,614,156 alleles (0.00012%); highest among the groups gnomAD compares: Non-Finnish European, 0.00017%; no homozygotes.

Submissions (3):

University of Washington Department of Laboratory Medicine, University of Washington
Classification: Likely benign for Hereditary cancer-predisposing syndrome. Last evaluated: 2023-03-23. Review status: criteria provided, single submitter. Criteria: Dines et al. (Genet Med. 2020). Collection method: curation. Allele origin: germline.
Comment: Missense variant in a coldspot region where missense variants are very unlikely to be pathogenic (PMID:31911673).

BRCA1 coldspot (exon 11 using historical exon numbering). Reclassification based on statistical prior probability

Labcorp Genetics (formerly Invitae), Labcorp
Classification: Uncertain significance for Hereditary breast ovarian cancer syndrome. Last evaluated: 2022-10-04. Review status: criteria provided, single submitter. Criteria: Invitae Variant Classification Sherloc (09022015). Collection method: clinical testing. Allele origin: germline.
Comment: This sequence change replaces leucine, which is neutral and non-polar, with valine, which is neutral and non-polar, at codon 1223 of the BRCA1 protein (p.Leu1223Val). This variant is not present in population databases (gnomAD no frequency). In summary, the available evidence is currently insufficient to determine the role of this variant in disease. Therefore, it has been classified as a Variant of Uncertain Significance. Advanced modeling of protein sequence and biophysical properties (such as structural, functional, and spatial information, amino acid conservation, physicochemical variation, residue mobility, and thermodynamic stability) performed at Invitae indicates that this missense variant is not expected to disrupt BRCA1 protein function. ClinVar contains an entry for this variant (Variation ID: 952987). This missense change has been observed in individual(s) with breast and/or ovarian cancer (PMID: 30702160).

Ambry Genetics
Classification: Uncertain significance for Hereditary cancer-predisposing syndrome. Last evaluated: 2017-11-03. Review status: criteria provided, single submitter. Criteria: Ambry Variant Classification Scheme 2023. Collection method: clinical testing. Allele origin: germline.
Comment: The p.L1223V variant (also known as c.3667C>G), located in coding exon 9 of the BRCA1 gene, results from a C to G substitution at nucleotide position 3667. The leucine at codon 1223 is replaced by valine, an amino acid with highly similar properties. This amino acid position is highly conserved in available vertebrate species. In addition, the in silico prediction for this alteration is inconclusive. Since supporting evidence is limited at this time, the clinical significance of this alteration remains unclear.

Literature cited by the submitters: PubMed 30702160 (cited by Labcorp Genetics (formerly Invitae), Labcorp).